The following is an entry in ClinVar:

ClinVar aggregate classification (germline): Pathogenic. Review status: criteria provided, multiple submitters, no conflicts (2 of 4 stars). 3 submissions from 3 submitters: Pathogenic (3). Last evaluated 2024-01-12.

Conditions:
Hereditary cancer-predisposing syndrome. Also called: Tumor predisposition; Neoplastic Syndromes, Hereditary; Hereditary neoplastic syndrome; Hereditary Cancer Syndrome. Identifiers: Orphanet 140162, MedGen C0027672, MeSH D009386, MONDO:0015356.
Ataxia-telangiectasia syndrome (AT). Also called: LOUIS-BAR SYNDROME; Ataxia-telangiectasia, complementation group D; AT, COMPLEMENTATION GROUP C; Cerebello-oculocutaneous telangiectasia; Immunodeficiency with ataxia telangiectasia; ATAXIA-TELANGIECTASIA, COMPLEMENTATION GROUP A. Identifiers: Orphanet 100, MedGen C0004135, MONDO:0008840, OMIM 208900.
Familial cancer of breast. Also called: Hereditary breast cancer; BREAST CANCER, FAMILIAL; hereditary breast carcinoma. Identifiers: Orphanet 227535, MedGen C0346153, MONDO:0016419, OMIM 114480. Disease mechanism: loss of function.

Submissions (3):

Myriad Genetics, Inc.
Classification: Pathogenic for Familial cancer of breast. Last evaluated: 2024-01-12. Review status: criteria provided, single submitter. Criteria: Myriad Autosomal Dominant, Autosomal Recessive and X-Linked Classification Criteria (2023). Collection method: clinical testing. Allele origin: unknown.
Comment: This variant is considered pathogenic. This variant creates a termination codon and is predicted to result in premature protein truncation.

Labcorp Genetics (formerly Invitae), Labcorp
Classification: Pathogenic for Ataxia-telangiectasia syndrome. Last evaluated: 2023-07-11. Review status: criteria provided, single submitter. Criteria: Invitae Variant Classification Sherloc (09022015). Collection method: clinical testing. Allele origin: germline.
Comment: For these reasons, this variant has been classified as Pathogenic. ClinVar contains an entry for this variant (Variation ID: 1069441). This sequence change creates a premature translational stop signal (p.Ser421*) in the ATM gene. It is expected to result in an absent or disrupted protein product. Loss-of-function variants in ATM are known to be pathogenic (PMID: 23807571, 25614872). This variant is not present in population databases (gnomAD no frequency). This premature translational stop signal has been observed in individual(s) with breast cancer (PMID: 32068069).

Ambry Genetics
Classification: Pathogenic for Hereditary cancer-predisposing syndrome. Last evaluated: 2022-12-30. Review status: criteria provided, single submitter. Criteria: Ambry Variant Classification Scheme 2023. Collection method: clinical testing. Allele origin: germline.
Comment: The p.S421* pathogenic mutation (also known as c.1262C>G), located in coding exon 9 of the ATM gene, results from a C to G substitution at nucleotide position 1262. This changes the amino acid from a serine to a stop codon within coding exon 9. This alteration was identified in an individual diagnosed with breast cancer (Kwong A et al. J Mol Diagn, 2020 Apr;22:544-554). This variant is considered to be rare based on population cohorts in the Genome Aggregation Database (gnomAD). In addition to the clinical data presented in the literature, this alteration is expected to result in loss of function by premature protein truncation or nonsense-mediated mRNA decay. As such, this alteration is interpreted as a disease-causing mutation.

Literature cited by the submitters: PubMed 23807571 (cited by Labcorp Genetics (formerly Invitae), Labcorp); PubMed 25614872 (cited by Labcorp Genetics (formerly Invitae), Labcorp); PubMed 32068069 (cited by Labcorp Genetics (formerly Invitae), Labcorp and Ambry Genetics).

NM_000051.4(ATM):c.1262C>G (p.Ser421Ter)

Gene: ATM (ATM serine/threonine kinase; plus strand). Cytogenetic location: 11q22.3.
Variant type: single nucleotide variant.
Coding change: c.1262C>G on transcript NM_000051.4 (MANE Select); coding-DNA position 1262, C replaced by G.
Protein change: p.Ser421Ter; replaces serine 421 with a stop codon.
Molecular consequence: nonsense.
Genome position (GRCh38, 1-based): chr11:108,250,727, C>G. VCF-style: chr11-108250727-C-G. GRCh37 (hg19) VCF-style: chr11-108121454-C-G.
Other names: c.1262C>G, p.Ser421Ter (NM_001351834.2); c.1262C>G (NM_000051.3); short protein forms S421*.
Identifiers: ClinVar variation 1069441 (VCV001069441.8), dbSNP rs2135316531, ClinGen allele CA382533341.
Genomic context (GRCh38, chr11:108,250,727, plus strand): 5'-TAGTTTTCAAATTATCCTTTTTTTTTTTTTTTAGGCTACAGATTGCAACCCAATTAATAT[C>G]AAAGTATCCTGCAAGTTTACCTAACTGTGAGCTGTCTCCATTACTGATGATACTATCTCA-3'